The following is an entry in ClinVar:

NM_014339.7(IL17RA):c.-6C>G

Genes: IL17RA (interleukin 17 receptor A; plus strand), LOC130066894 (ATAC-STARR-seq lymphoblastoid silent region 13430; plus strand). Cytogenetic location: 22q11.1.
Variant type: single nucleotide variant.
Coding change: c.-6C>G on transcript NM_014339.7 (MANE Select); 6 bases upstream of the start codon, C replaced by G.
Molecular consequence: 5 prime UTR variant.
Genome position (GRCh38, 1-based): chr22:17,085,086, C>G. VCF-style: chr22-17085086-C-G. GRCh37 (hg19) VCF-style: chr22-17565976-C-G.
Other names: c.-6C>G (NM_001289905.2).
Identifiers: ClinVar variation 3045350 (VCV003045350.2), dbSNP rs922730539, ClinGen allele CA321139710.

ClinVar aggregate classification (germline): Likely benign (0 of 4 stars; one submission).

Conditions:
IL17RA-related disorder. Also called: IL17RA-related condition.

Allele frequency attached by ClinVar (database versions not stated): gnomAD 0.00007; TOPMed 0.00008.
gnomAD v4.1: 27 of 1,317,752 alleles (0.002%); highest among the groups gnomAD compares: Admixed American, 0.037%; no homozygotes.

Submission:

PreventionGenetics, part of Exact Sciences
Classification: Likely benign for IL17RA-related condition. Last evaluated: 2019-11-12. Review status: no assertion criteria provided. Collection method: clinical testing. Allele origin: germline.
Comment: This variant is classified as likely benign based on ACMG/AMP sequence variant interpretation guidelines (Richards et al. 2015 PMID: 25741868, with internal and published modifications).